The following is an entry in ClinVar:

NM_000055.4(BCHE):c.435delinsAG (p.Phe146fs)

Gene: BCHE (butyrylcholinesterase; minus strand). Cytogenetic location: 3q26.1.
Variant type: Indel.
Coding change: c.435delinsAG on transcript NM_000055.4 (MANE Select); coding-DNA position 435, T replaced by AG.
Protein change: p.Phe146fs; shifts the reading frame from phenylalanine 146.
Molecular consequence: frameshift variant. On other transcripts: non-coding transcript variant (1).
Genome position (GRCh38, 1-based): chr3:165,830,599, A replaced by CT on the plus strand (T replaced by AG on the coding strand, the reverse complement: BCHE is on the minus strand). VCF-style: chr3-165830599-A-CT. GRCh37 (hg19) VCF-style: chr3-165548387-A-CT.
Other names: BCHE*FS117; c.435delinsAG (NM_000055.2, NM_000055.3); short protein forms F146fs.
Identifiers: ClinVar variation 13216 (VCV000013216.35), dbSNP rs398124632, ClinGen allele CA122964.

ClinVar aggregate classification (germline): Pathogenic. Review status: criteria provided, multiple submitters, no conflicts (2 of 4 stars). 8 submissions from 8 submitters: Pathogenic (6). 2 of the submissions do not count toward it. Last evaluated 2026-02-18.

Conditions:
BCHE-related disorder. Also called: BCHE-related condition.
Deficiency of butyrylcholinesterase (BCHED). Also called: Butyrylcholinesterase deficiency; Acholinesterasemia; Deficiency of butyrylcholine esterase; BCHE, silent 1. Identifiers: Orphanet 132, MedGen C1283400, MONDO:0015270, OMIM 617936.

Submissions (8):

PreventionGenetics, part of Exact Sciences
Classification: Pathogenic for BCHE-related condition. Last evaluated: 2026-02-18. Review status: criteria provided, single submitter. Criteria: ACMG Guidelines, 2015. Collection method: clinical testing. Allele origin: germline.
Comment: The BCHE c.435delinsAG variant is predicted to result in a frameshift and premature protein termination (p.Phe146Valfs*12). This variant was reported in multiple individuals with butyrylcholinesterase deficiency (see, for example, Nogueira et al. 1990. PubMed ID: 2339692, reported as a frameshift at Gly117; Primo-Parmo et al. 1996. PubMed ID: 8554068). This variant has not been reported in a large population database (gnomAD), indicating this variant is rare. Frameshift variants in BCHE are expected to be pathogenic. This variant is interpreted as pathogenic.

Blueprint Genetics
Classification: Pathogenic for BCHE-related disorders. Last evaluated: 2024-11-08. Review status: criteria provided, single submitter. Criteria: ACMG Guidelines, 2015. Collection method: clinical testing. Allele origin: germline. Affected: yes. Observed: 1 variant allele.

Women's Health and Genetics/Laboratory Corporation of America, LabCorp
Classification: Pathogenic for Deficiency of butyrylcholinesterase. Last evaluated: 2024-11-04. Review status: criteria provided, single submitter. Criteria: LabCorp Variant Classification Summary - May 2015. Collection method: clinical testing. Allele origin: germline.
Comment: Variant summary: BCHE c.435delinsAG (p.Phe146ValfsX12) results in a premature termination codon, predicted to cause a truncation of the encoded protein or absence of the protein due to nonsense mediated decay, which are commonly known mechanisms for disease. The variant was absent in 282316 control chromosomes. c.435delinsAG has been reported in the literature in multiple individuals affected with Deficiency Of Butyrylcholine Esterase (e.g. Hohler_1995). These data indicate that the variant is very likely to be associated with disease. To our knowledge, no experimental evidence demonstrating an impact on protein function has been reported. ClinVar contains an entry for this variant (Variation ID: 13216). Based on the evidence outlined above, the variant was classified as pathogenic.

GeneDx
Classification: Pathogenic. Last evaluated: 2024-01-02. Review status: criteria provided, single submitter. Criteria: GeneDx Variant Classification Process June 2021. Collection method: clinical testing. Allele origin: germline. Affected: yes.
Comment: Frameshift variant predicted to result in protein truncation or nonsense mediated decay in a gene for which loss of function is a known mechanism of disease; Not observed at significant frequency in large population cohorts (gnomAD); Also known as Gly 117 GGT -> GGAG and c.351 GGT -> GGAG; This variant is associated with the following publications: (PMID: 27017361, 7760318, 2339692)

Fulgent Genetics
Classification: Pathogenic for Deficiency of butyrylcholinesterase. Last evaluated: 2021-11-15. Review status: criteria provided, single submitter. Criteria: ACMG Guidelines, 2015. Collection method: clinical testing. Allele origin: unknown.

CeGaT Center for Human Genetics Tuebingen
Classification: Pathogenic. Last evaluated: 2019-10-01. Review status: criteria provided, single submitter. Criteria: CeGaT Center For Human Genetics Tuebingen Variant Classification Criteria Version 2. Collection method: clinical testing. Allele origin: germline. Affected: yes. Observed: 1 variant allele.

Counsyl
Classification: Pathogenic. Last evaluated: 2015-10-09. Review status: no assertion criteria provided. Collection method: clinical testing. Allele origin: unknown. Not counted in ClinVar's aggregate classification.

OMIM
Classification: Pathogenic for BCHE, SILENT 1. Last evaluated: 1990-05-01. Review status: no assertion criteria provided. Collection method: literature only. Allele origin: germline. Not counted in ClinVar's aggregate classification.

Literature cited by the submitters: PubMed 7760318 (cited by Women's Health and Genetics/Laboratory Corporation of America, LabCorp and Counsyl); PubMed 2339692 (cited by Counsyl and OMIM); PubMed 8554068 (cited by Counsyl); PubMed 14465122 (cited by OMIM).